The following is an entry in ClinVar:

NM_001276270.2(MBD4):c.844dup (p.Ser282fs)

Gene: MBD4 (methyl-CpG binding domain 4, DNA glycosylase; minus strand). Cytogenetic location: 3q21.3.
Variant type: Duplication.
Coding change: c.844dup on transcript NM_001276270.2 (MANE Select); coding-DNA position 844, one base duplicated (A; older notation c.844dupA).
Protein change: p.Ser282fs; shifts the reading frame from serine 282.
Molecular consequence: frameshift variant. On other transcripts: intron variant (1).
Genome position (GRCh38, 1-based): chr3:129,436,800, T duplicated on the plus strand (A on the coding strand, the reverse complement: MBD4 is on the minus strand); the first of 6 consecutive T bases (chr3:129,436,800-129,436,805); duplicating any one gives the same sequence. VCF-style (leftmost placement, unchanged base first): chr3-129436799-C-CT. GRCh37 (hg19) VCF-style: chr3-129155642-C-CT.
Other names: c.844dup, p.Ser282fs (NM_001276271.2, NM_001276272.2, NM_003925.3); c.247+1008dup (NM_001276273.2); short protein forms S282fs.
Identifiers: ClinVar variation 4856754 (VCV004856754.1).

ClinVar aggregate classification (germline): Pathogenic (1 of 4 stars; one submission).

Conditions:
Tumor predisposition syndrome 2 (TPDS2). Also called: MBD4-ASSOCIATED NEOPLASIA SYNDROME; MBD4-Related Tumor Predisposition Syndrome; MBD4-associated neoplasia syndrome (MANS). Identifiers: Orphanet 661526, MedGen C5774186, MONDO:0859267, OMIM 619975.

Submission:

Myriad Genetics, Inc.
Classification: Pathogenic for Tumor predisposition syndrome 2. Last evaluated: 2026-03-03. Review status: criteria provided, single submitter. Criteria: Myriad Autosomal Dominant, Autosomal Recessive and X-Linked Classification Criteria (2023). Collection method: clinical testing. Allele origin: unknown.
Comment: This variant is considered pathogenic. This variant creates a frameshift predicted to result in premature protein truncation.